The following is an entry in ClinVar:

ClinVar aggregate classification (germline): Uncertain significance (1 of 4 stars; one submission).

Submission:

Ambry Genetics
Classification: Uncertain significance. Last evaluated: 2024-03-16. Review status: criteria provided, single submitter. Criteria: Ambry Variant Classification Scheme 2023. Collection method: clinical testing. Allele origin: germline.
Comment: The p.Q596R variant (also known as c.1787A>G), located in coding exon 11 of the POLQ gene, results from an A to G substitution at nucleotide position 1787. The glutamine at codon 596 is replaced by arginine, an amino acid with highly similar properties. This amino acid position is conserved. In addition, this alteration is predicted to be tolerated by in silico analysis. Based on the available evidence, the clinical significance of this alteration remains unclear.

NM_199420.4(POLQ):c.1787A>G (p.Gln596Arg)

Gene: POLQ (DNA polymerase theta; minus strand). Cytogenetic location: 3q13.33.
Variant type: single nucleotide variant.
Coding change: c.1787A>G on transcript NM_199420.4 (MANE Select); coding-DNA position 1787, A replaced by G.
Protein change: p.Gln596Arg; replaces glutamine 596 with arginine.
Molecular consequence: missense variant.
Genome position (GRCh38, 1-based): chr3:121,510,068, T>C on the plus strand (A>G on the coding strand, the complement: POLQ is on the minus strand). VCF-style: chr3-121510068-T-C. GRCh37 (hg19) VCF-style: chr3-121228915-T-C.
Other names: short protein forms Q596R.
Identifiers: ClinVar variation 3308582 (VCV003308582.1).